The following is an entry in ClinVar:

NM_000089.4(COL1A2):c.3520A>C (p.Ser1174Arg)

Gene: COL1A2 (collagen type I alpha 2 chain; plus strand). Cytogenetic location: 7q21.3.
Variant type: single nucleotide variant.
Coding change: c.3520A>C on transcript NM_000089.4 (MANE Select); coding-DNA position 3520, A replaced by C.
Protein change: p.Ser1174Arg; replaces serine 1174 with arginine.
Molecular consequence: missense variant.
Genome position (GRCh38, 1-based): chr7:94,427,879, A>C. VCF-style: chr7-94427879-A-C. GRCh37 (hg19) VCF-style: chr7-94057191-A-C.
Other names: short protein forms S1174R.
Identifiers: ClinVar variation 3761832 (VCV003761832.2).

ClinVar aggregate classification (germline): Uncertain significance (1 of 4 stars; one submission).

Conditions:
Ehlers-Danlos syndrome, classic type, 1 (EDSCL1). Also called: EHLERS-DANLOS SYNDROME, GRAVIS TYPE; EHLERS-DANLOS SYNDROME, SEVERE CLASSIC TYPE; Ehlers-Danlos syndrome, type 1; Ehlers-Danlos Syndrome, Classic Type, COL5A1-Related; EDS I. Identifiers: MedGen C0268335, MONDO:0019567, OMIM 130000.
Osteogenesis imperfecta type I (OI1). Also called: OI, TYPE I; OSTEOGENESIS IMPERFECTA TARDA; OSTEOGENESIS IMPERFECTA WITH BLUE SCLERAE; Osteogenesis imperfecta type 1; Lobstein's Disease; Lobstein disease. Identifiers: Orphanet 216796, Orphanet 666, MedGen C0023931, MONDO:0008146, OMIM 166200. Disease mechanism: loss of function.

gnomAD v4.1: 21 of 1,613,998 alleles (0.0013%); highest among the groups gnomAD compares: South Asian, 0.022%; no homozygotes.

Submission:

Labcorp Genetics (formerly Invitae), Labcorp
Classification: Uncertain significance for Osteogenesis imperfecta type I; Ehlers-Danlos syndrome, classic type, 1. Last evaluated: 2025-04-03. Review status: criteria provided, single submitter. Criteria: Invitae Variant Classification Sherloc (09022015). Collection method: clinical testing. Allele origin: germline.
Comment: This sequence change replaces serine, which is neutral and polar, with arginine, which is basic and polar, at codon 1174 of the COL1A2 protein (p.Ser1174Arg). This variant is present in population databases (rs750961683, gnomAD 0.01%). This variant has not been reported in the literature in individuals affected with COL1A2-related conditions. ClinVar contains an entry for this variant (Variation ID: 3761832). Invitae Evidence Modeling of protein sequence and biophysical properties (such as structural, functional, and spatial information, amino acid conservation, physicochemical variation, residue mobility, and thermodynamic stability) indicates that this missense variant is not expected to disrupt COL1A2 protein function with a negative predictive value of 95%. In summary, the available evidence is currently insufficient to determine the role of this variant in disease. Therefore, it has been classified as a Variant of Uncertain Significance.